The following is an entry in ClinVar:

NM_021625.5(TRPV4):c.*486T>C

Gene: TRPV4 (transient receptor potential cation channel subfamily V member 4; minus strand). Cytogenetic location: 12q24.11.
Variant type: single nucleotide variant.
Coding change: c.*486T>C on transcript NM_021625.5 (MANE Select); 486 bases downstream of the stop codon, T replaced by C.
Molecular consequence: 3 prime UTR variant.
Genome position (GRCh38, 1-based): chr12:109,783,135, A>G on the plus strand (T>C on the coding strand, the complement: TRPV4 is on the minus strand). VCF-style: chr12-109783135-A-G. GRCh37 (hg19) VCF-style: chr12-110220940-A-G.
Other names: c.*486T>C (NM_001177428.2, NM_001177431.2, NM_001177433.2 and 1 more transcripts).
Identifiers: ClinVar variation 307112 (VCV000307112.5), dbSNP rs79157363, ClinGen allele CA10640136.

ClinVar aggregate classification (germline): Benign. Review status: criteria provided, single submitter (1 of 4 stars). 6 submissions from 1 submitter: Benign (6). Last evaluated 2018-01-13.

Conditions:
Scapuloperoneal spinal muscular atrophy (SPSMA). Also called: Scapuloperoneal Spinal Muscular Atrophy, TRPV4-Related; AMYOTROPHY, NEUROGENIC SCAPULOPERONEAL, NEW ENGLAND TYPE; Scapuloperoneal Form of Spinal Muscular Atrophy; Scapuloperoneal spinal muscular atrophy, autosomal dominant. Identifiers: Orphanet 431255, MedGen C0751335, MONDO:0008408, OMIM 181405.
Charcot-Marie-Tooth disease axonal type 2C (HMSN2C). Also called: Charcot-Marie-Tooth Disease Type 2, TRPV4-Related (CMT2C); CHARCOT-MARIE-TOOTH DISEASE, AXONAL, AUTOSOMAL DOMINANT, TYPE 2C; Charcot-Marie-Tooth Neuropathy Type 2C. Identifiers: Orphanet 99937, MedGen C1853710, MONDO:0011633, OMIM 606071.
Metatropic dysplasia (MTD). Also called: Metatropic Dysplasia, TRPV4-Related; METATROPIC DWARFISM; Metatropic dysplasia, nonlethal dominant. Identifiers: Orphanet 2635, MedGen C0265281, MONDO:0007986, OMIM 156530.
Brachyrachia (short spine dysplasia) (BCYM3). Also called: BRACHYRACHIA; Autosomal dominant brachyolmia; Brachyolmia, TRPV4-Related; Brachyolmia Type 3. Identifiers: Orphanet 93304, MedGen C0432227, MONDO:0007232, OMIM 113500.
Neuronopathy, distal hereditary motor, autosomal dominant 8. Also called: Autosomal dominant congenital benign spinal muscular atrophy; SPINAL MUSCULAR ATROPHY, CONGENITAL BENIGN, WITH CONTRACTURES; NEURONOPATHY, DISTAL HEREDITARY MOTOR, TYPE VIII; NEUROPATHY, DISTAL HEREDITARY MOTOR, TYPE VIII. Identifiers: Orphanet 1216, MedGen C1838492, MONDO:0010839, OMIM 600175.
Spondylometaphyseal dysplasia, Kozlowski type (SMDK). Also called: Dysmorphism arthrogryposis skeletal maturation advanced; Jequier-Kozlowski syndrome; Skeletal dysplasia Jequier-Kozlowski type; SMD Kozlowski type; Spondylometaphyseal Dysplasia, TRPV4-Related (Kozlowski Type). Identifiers: Orphanet 93314, MedGen C0265280, MONDO:0008477, OMIM 184252.

Allele frequency attached by ClinVar (database versions not stated): gnomAD exomes 0.00057; 1000 Genomes Project 0.00060; 1000 Genomes Project 30x 0.00078; TOPMed 0.00087; gnomAD 0.00100 and 0.00103.
gnomAD v4.1: 153 of 157,876 alleles (0.097%); highest among the groups gnomAD compares: Middle Eastern, 0.33%; no homozygotes.

Submissions (6):

Illumina Laboratory Services, Illumina
Classification: Benign for Metatropic dysplasia. Last evaluated: 2018-01-13. Review status: criteria provided, single submitter. Criteria: ICSL Variant Classification Criteria 13 December 2019. Collection method: clinical testing. Allele origin: germline.
Comment: This variant was observed in the ICSL laboratory as part of a predisposition screen in an ostensibly healthy population. It had not been previously curated by ICSL or reported in the Human Gene Mutation Database (HGMD: prior to June 1st, 2018), and was therefore a candidate for classification through an automated scoring system. Utilizing variant allele frequency, disease prevalence and penetrance estimates, and inheritance mode, an automated score was calculated to assess if this variant is too frequent to cause the disease. Based on the score and internal cut-off values, a variant classified as benign is not then subjected to further curation. The score for this variant resulted in a classification of benign for this disease.

Illumina Laboratory Services, Illumina
Classification: Benign for Brachyrachia (short spine dysplasia). Last evaluated: 2018-01-13. Review status: criteria provided, single submitter. Criteria: ICSL Variant Classification Criteria 13 December 2019. Collection method: clinical testing. Allele origin: germline.
Comment: the same text as in the submission from Illumina Laboratory Services, Illumina above.

Illumina Laboratory Services, Illumina
Classification: Benign for Neuronopathy, distal hereditary motor, autosomal dominant 8. Last evaluated: 2018-01-13. Review status: criteria provided, single submitter. Criteria: ICSL Variant Classification Criteria 13 December 2019. Collection method: clinical testing. Allele origin: germline.
Comment: the same text as in the submission from Illumina Laboratory Services, Illumina above.

Illumina Laboratory Services, Illumina
Classification: Benign for Spondylometaphyseal dysplasia, Kozlowski type. Last evaluated: 2018-01-13. Review status: criteria provided, single submitter. Criteria: ICSL Variant Classification Criteria 13 December 2019. Collection method: clinical testing. Allele origin: germline.
Comment: the same text as in the submission from Illumina Laboratory Services, Illumina above.

Illumina Laboratory Services, Illumina
Classification: Benign for Scapuloperoneal spinal muscular atrophy. Last evaluated: 2018-01-13. Review status: criteria provided, single submitter. Criteria: ICSL Variant Classification Criteria 13 December 2019. Collection method: clinical testing. Allele origin: germline.
Comment: the same text as in the submission from Illumina Laboratory Services, Illumina above.

Illumina Laboratory Services, Illumina
Classification: Benign for Charcot-Marie-Tooth disease axonal type 2C. Last evaluated: 2018-01-13. Review status: criteria provided, single submitter. Criteria: ICSL Variant Classification Criteria 13 December 2019. Collection method: clinical testing. Allele origin: germline.
Comment: the same text as in the submission from Illumina Laboratory Services, Illumina above.